The following is an entry in ClinVar:

NM_000059.4(BRCA2):c.*2C>T

Gene: BRCA2 (BRCA2 DNA repair associated; plus strand). Cytogenetic location: 13q13.1.
Variant type: single nucleotide variant.
Coding change: c.*2C>T on transcript NM_000059.4 (MANE Select); 2 bases downstream of the stop codon, C replaced by T.
Molecular consequence: 3 prime UTR variant.
Genome position (GRCh38, 1-based): chr13:32,398,772, C>T. VCF-style: chr13-32398772-C-T. GRCh37 (hg19) VCF-style: chr13-32972909-C-T.
Identifiers: ClinVar variation 231620 (VCV000231620.11), dbSNP rs876659266, ClinGen allele CA10579863.

ClinVar aggregate classification (germline): Conflicting classifications of pathogenicity. Review status: criteria provided, conflicting classifications (1 of 4 stars). 3 submissions from 3 submitters: Uncertain significance (2); Likely benign (1). Last evaluated 2022-02-11.

Conditions:
Hereditary cancer-predisposing syndrome. Also called: Neoplastic Syndromes, Hereditary; Tumor predisposition; Hereditary Cancer Syndrome; Hereditary neoplastic syndrome. Identifiers: Orphanet 140162, MedGen C0027672, MeSH D009386, MONDO:0015356.

Allele frequency attached by ClinVar (database versions not stated): gnomAD exomes below 0.00001.
gnomAD v4.1: 2 of 1,613,468 alleles (0.00012%); highest among the groups gnomAD compares: African/African-American, 0.0013%; no homozygotes.

Submissions (3):

Quest Diagnostics Nichols Institute San Juan Capistrano
Classification: Likely benign. Last evaluated: 2022-02-11. Review status: criteria provided, single submitter. Criteria: Quest Diagnostics criteria. Collection method: clinical testing. Allele origin: unknown.

Color Diagnostics, LLC DBA Color Health
Classification: Uncertain significance for Hereditary cancer-predisposing syndrome. Last evaluated: 2019-04-19. Review status: criteria provided, single submitter. Criteria: ACMG Guidelines, 2015. Collection method: clinical testing. Allele origin: germline.

Ambry Genetics
Classification: Uncertain significance for Hereditary cancer-predisposing syndrome. Last evaluated: 2015-05-01. Review status: criteria provided, single submitter. Criteria: Ambry Variant Classification Scheme 2023. Collection method: clinical testing. Allele origin: germline.
Comment: The c.*2C>T variant is located in the 3' untranslated region (3&rsquo; UTR) of the BRCA2 gene. This variant results from a C to T substitution two nucleotides downstream from the last translated codon. This variant was not reported in population based cohorts in the following databases: Database of Single Nucleotide Polymorphisms (dbSNP), NHLBI Exome Sequencing Project (ESP), and 1000 Genomes Project. In the ESP, this variant was not observed in 6502 samples (13004 alleles) with coverage at this position. To date, this alteration has been detected with an allele frequency of approximately 0.001% (greater than 150000 alleles tested) in our clinical cohort. This nucleotide position is poorly conserved in available vertebrate species. Since supporting evidence is limited at this time, the clinical significance of c.*2C>T remains unclear.